The following is an entry in ClinVar:

NM_001127898.4(CLCN5):c.2362C>T (p.Arg788Ter)

Gene: CLCN5 (Cl-/H+ antiporter 5; plus strand). Cytogenetic location: Xp11.23.
Variant type: single nucleotide variant.
Coding change: c.2362C>T on transcript NM_001127898.4 (MANE Select); coding-DNA position 2362, C replaced by T.
Protein change: p.Arg788Ter; replaces arginine 788 with a stop codon.
Molecular consequence: nonsense.
Genome position (GRCh38, 1-based): chrX:50,092,130, C>T. VCF-style: chrX-50092130-C-T. GRCh37 (hg19) VCF-style: chrX-49856787-C-T.
Other names: c.2152C>T, p.Arg718Ter (NM_000084.5); c.2362C>T, p.Arg788Ter (NM_001127899.4); c.2212C>T, p.Arg738Ter (NM_001282163.2); short protein forms R718*, R788*, R738*.
Identifiers: ClinVar variation 208000 (VCV000208000.10), dbSNP rs797044814, ClinGen allele CA347327.

ClinVar aggregate classification (germline): Pathogenic. Review status: criteria provided, multiple submitters, no conflicts (2 of 4 stars). 4 submissions from 4 submitters: Pathogenic (2). 2 of the submissions do not count toward it. Last evaluated 2025-10-03.

Conditions:
Proteinuria, low molecular weight, with hypercalciuria and nephrocalcinosis. Identifiers: Orphanet 1652, Orphanet 93622, MedGen C1839874, MONDO:0010644, OMIM 308990.
Dent disease type 1 (DENT1). Also called: NEPHROLITHIASIS 2; NEPHROLITHIASIS, HYPERCALCIURIC, X-LINKED. Identifiers: Orphanet 1652, Orphanet 93622, MedGen C1848336, MONDO:0010225, OMIM 300009.
Hypophosphatemic rickets, X-linked recessive (XLHRR). Identifiers: Orphanet 1652, Orphanet 93622, MedGen C1845168, MONDO:0010358, OMIM 300554.
X-linked recessive nephrolithiasis with renal failure (XRN). Also called: NEPHROLITHIASIS 1; NEPHROLITHIASIS, X-LINKED RECESSIVE, TYPE 1; UROLITHIASIS, X-LINKED RECESSIVE, TYPE 1. Identifiers: Orphanet 1652, Orphanet 93622, MedGen C0403720, MONDO:0010687, OMIM 310468.

Submissions (4):

Rare Kidney Stone Consortium and the Mayo Clinic Hyperoxaluria Center, Mayo Clinic
Classification: Pathogenic for Dent disease type 1; Hypophosphatemic rickets, X-linked recessive; X-linked recessive nephrolithiasis with renal failure; Proteinuria, low molecular weight, with hypercalciuria and nephrocalcinosis. Last evaluated: 2025-10-03. Review status: criteria provided, single submitter. Criteria: ACMG Guidelines, 2015. Collection method: research. Allele origin: germline. Affected: yes. Observed: 2 variant alleles.
Comment: ACMG:PVS1, PM2, PP3, PP5

Labcorp Genetics (formerly Invitae), Labcorp
Classification: Pathogenic. Last evaluated: 2024-04-29. Review status: criteria provided, single submitter. Criteria: Invitae Variant Classification Sherloc (09022015). Collection method: clinical testing. Allele origin: germline.
Comment: This sequence change creates a premature translational stop signal (p.Arg718*) in the CLCN5 gene. While this is not anticipated to result in nonsense mediated decay, it is expected to disrupt the last 29 amino acid(s) of the CLCN5 protein. This variant is not present in population databases (gnomAD no frequency). This premature translational stop signal has been observed in individual(s) with Dent disease (PMID: 12637640, 31672324). It has also been observed to segregate with disease in related individuals. ClinVar contains an entry for this variant (Variation ID: 208000). Algorithms developed to predict the effect of variants on protein structure and function are not available or were not evaluated for this variant. Experimental studies have shown that this premature translational stop signal affects CLCN5 function (PMID: 19657328). For these reasons, this variant has been classified as Pathogenic.

Sydney Genome Diagnostics, Children's Hospital Westmead
Classification: Pathogenic for Dent disease type 1. Last evaluated: 2018-04-17. Review status: no assertion criteria provided. Collection method: clinical testing. Allele origin: unknown. Affected: yes. Observed: 1 variant allele, 1 hemizygote. Not counted in ClinVar's aggregate classification.
Comment: This variant creates a premature stop codon (p.Arg788*). c.2362C>T (p.Arg788*) has not been listed in any population databases (i.e. ExAC, ESP or dbSNP). The variant has been reported in five unrelated patients with Dent's disease (Carballo-Trujillo et.al. Nephrol Dial Transplant 2003; 18(4): 717-723, Hoopes et.al. Kidney Int 2004; 65: 1615-1620, Wu et.al. Nephron Physiol 2009; 112: 53-62 & Grand et.al. Kidney Int 2009; 76: 999-1005). Segregation studies were performed by Carballo-Trujillo et.al and c.2362C>T was shown to cosegregate with the disease. In these reports, the variant is described as p.Arg718* (relative to transcript NM_000084.4). Functional studies in Xenopus laevis oocytes showed that this nonsense variant produced a truncated protein product and was lower in abundance in comparison to the wild-type. The truncation affected the cellular localisation of the protein (Grand et.al. Kidney Int 2009; 76: 999-1005). This variant is considered to be pathogenic according to the ACMG guidelines.

GeneReviews
No classification provided. Condition: Dent disease type 1. Review status: no classification provided. Collection method: literature only. Allele origin: germline. Affected: yes. Not counted in ClinVar's aggregate classification.

Literature cited by the submitters: PubMed 12637640 (cited by 3 submitters); PubMed 22083641 (cited by Rare Kidney Stone Consortium and the Mayo Clinic Hyperoxaluria Center, Mayo Clinic); PubMed 23566014 (cited by Rare Kidney Stone Consortium and the Mayo Clinic Hyperoxaluria Center, Mayo Clinic); PubMed 29459630 (cited by Rare Kidney Stone Consortium and the Mayo Clinic Hyperoxaluria Center, Mayo Clinic); PubMed 31672324 (cited by Rare Kidney Stone Consortium and the Mayo Clinic Hyperoxaluria Center, Mayo Clinic and Labcorp Genetics (formerly Invitae), Labcorp); PubMed 40133227 (cited by Rare Kidney Stone Consortium and the Mayo Clinic Hyperoxaluria Center, Mayo Clinic); PubMed 40794449 (cited by Rare Kidney Stone Consortium and the Mayo Clinic Hyperoxaluria Center, Mayo Clinic); PubMed 19657328 (cited by Labcorp Genetics (formerly Invitae), Labcorp and GeneReviews); PubMed 15086899 (cited by GeneReviews); PubMed 19546591 (cited by GeneReviews); NCBI Bookshelf NBK99494 (cited by GeneReviews).